The following is an entry in ClinVar:

NM_000501.4(ELN):c.1356C>T (p.Tyr452=)

Gene: ELN (elastin; plus strand). Cytogenetic location: 7q11.23.
Variant type: single nucleotide variant.
Coding change: c.1356C>T on transcript NM_000501.4 (MANE Select); coding-DNA position 1356, C replaced by T.
Protein change: p.Tyr452=; no amino-acid change (tyrosine 452 retained).
Molecular consequence: synonymous variant.
Genome position (GRCh38, 1-based): chr7:74,056,712, C>T. VCF-style: chr7-74056712-C-T. GRCh37 (hg19) VCF-style: chr7-73471042-C-T.
Other names: c.1326C>T, p.Tyr442= (NM_001081752.3, NM_001278917.2); c.1371C>T, p.Tyr457= (NM_001081753.3, NM_001081754.3); c.1356C>T, p.Tyr452= (NM_001081755.3, NM_001278912.2, NM_001278915.2 and 1 more transcripts); c.1170C>T, p.Tyr390= (NM_001278913.2); c.1341C>T, p.Tyr447= (NM_001278914.2); c.1314C>T, p.Tyr438= (NM_001278916.2); c.1146C>T, p.Tyr382= (NM_001278918.2).
Identifiers: ClinVar variation 2163577 (VCV002163577.22), dbSNP rs149927009, ClinGen allele CA4292954.

ClinVar aggregate classification (germline): Conflicting classifications of pathogenicity. Review status: criteria provided, conflicting classifications (1 of 4 stars). 2 submissions from 2 submitters: Uncertain significance (1); Likely benign (1). Last evaluated 2025-04-23.

Conditions:
Supravalvar aortic stenosis (SVAS). Also called: Supravalvar aortic stenosis, Eisenberg type. Identifiers: Orphanet 3193, MedGen C0003499, MONDO:0008504, OMIM 185500, HP:0004381.

Allele frequency attached by ClinVar (database versions not stated): gnomAD exomes 0.00001; ExAC 0.00005; ESP Exome Variant Server 0.00015; 1000 Genomes Project 30x 0.00016; 1000 Genomes Project 0.00020; TOPMed 0.00002; gnomAD 0.00004.
gnomAD v4.1: 30 of 1,613,814 alleles (0.0019%); highest among the groups gnomAD compares: East Asian, 0.013%; no homozygotes.

Submissions (2):

Labcorp Genetics (formerly Invitae), Labcorp
Classification: Uncertain significance for Supravalvar aortic stenosis. Last evaluated: 2025-04-23. Review status: criteria provided, single submitter. Criteria: Invitae Variant Classification Sherloc (09022015). Collection method: clinical testing. Allele origin: germline.
Comment: This sequence change affects codon 452 of the ELN mRNA. It is a 'silent' change, meaning that it does not change the encoded amino acid sequence of the ELN protein. It affects a nucleotide within the consensus splice site. This variant is present in population databases (rs149927009, gnomAD 0.03%). This variant has not been reported in the literature in individuals affected with ELN-related conditions. ClinVar contains an entry for this variant (Variation ID: 2163577). Algorithms developed to predict the effect of sequence changes on RNA splicing suggest that this variant is not likely to affect RNA splicing. In summary, the available evidence is currently insufficient to determine the role of this variant in disease. Therefore, it has been classified as a Variant of Uncertain Significance.

CeGaT Center for Human Genetics Tuebingen
Classification: Likely benign. Last evaluated: 2024-06-01. Review status: criteria provided, single submitter. Criteria: CeGaT Center For Human Genetics Tuebingen Variant Classification Criteria Version 2. Collection method: clinical testing. Allele origin: germline. Affected: yes. Observed: 1 variant allele.
Comment: ELN: BP4, BP7